The following is an entry in ClinVar:

ClinVar aggregate classification (germline): Benign (3 of 4 stars; one submission).

Conditions:
Breast-ovarian cancer, familial, susceptibility to, 2 (BROVCA2). Also called: BRCA2 Hereditary Breast and Ovarian Cancer. Identifiers: Orphanet 145, MedGen C2675520, MONDO:0012933, OMIM 612555. Disease mechanism: loss of function.

Allele frequency attached by ClinVar (database versions not stated): gnomAD 0.98087 and 0.97957; 1000 Genomes Project 30x 0.97486; 1000 Genomes Project 0.97604; TOPMed 0.97864.
gnomAD v4.1: 149,414 of 152,300 alleles (98%); highest among the groups gnomAD compares: East Asian, 100%; 73,357 homozygotes.

Submission:

Evidence-based Network for the Interpretation of Germline Mutant Alleles (ENIGMA)
Classification: Benign for Breast-ovarian cancer, familial 2. Last evaluated: 2015-01-12. Review status: reviewed by expert panel. Criteria: ENIGMA BRCA1/2 Classification Criteria (2015). Collection method: curation. Allele origin: germline.
Comment: Class 1 not pathogenic based on frequency >1% in an outbred sampleset. Frequency 0.909 (African), derived from 1000 genomes (2012-04-30).

NM_000059.4(BRCA2):c.8632+1178C>T

Gene: BRCA2 (BRCA2 DNA repair associated; plus strand). Cytogenetic location: 13q13.1.
Variant type: single nucleotide variant.
Coding change: c.8632+1178C>T on transcript NM_000059.4 (MANE Select); 1178 bases into the intron after coding-DNA position 8632, C replaced by T.
Molecular consequence: intron variant.
Genome position (GRCh38, 1-based): chr13:32,372,278, C>T. VCF-style: chr13-32372278-C-T. GRCh37 (hg19) VCF-style: chr13-32946415-C-T.
Other names: IVS 20+1178C>T.
Identifiers: ClinVar variation 209946 (VCV000209946.1), dbSNP rs206068, ClinGen allele CA276913.
Genomic context (GRCh38, chr13:32,372,278, plus strand): 5'-TCTAAATCCTTTGTTGTCATTTCAACAATATTCACAGCACCTTCGCCAGGACTAGATTCC[C>T]TCTCAAGAAACTACTTTCTTTGCTTATCCATAAGAAGCAGCTCTGTATTAATCTGTTCCC-3'